The following is an entry in ClinVar:

NM_014679.5(CEP57):c.1352G>A (p.Ser451Asn)

Gene: CEP57 (centrosomal protein 57; plus strand). Cytogenetic location: 11q21.
Variant type: single nucleotide variant.
Coding change: c.1352G>A on transcript NM_014679.5 (MANE Select); coding-DNA position 1352, G replaced by A.
Protein change: p.Ser451Asn; replaces serine 451 with asparagine.
Molecular consequence: missense variant.
Genome position (GRCh38, 1-based): chr11:95,831,105, G>A. VCF-style: chr11-95831105-G-A. GRCh37 (hg19) VCF-style: chr11-95564269-G-A.
Other names: c.1325G>A, p.Ser442Asn (NM_001243776.2); c.1274G>A, p.Ser425Asn (NM_001243777.2); c.1271G>A, p.Ser424Asn (NM_001363604.2); c.1352G>A (NM_014679.4); short protein forms S424N, S451N, S442N, S425N.
Identifiers: ClinVar variation 3574135 (VCV003574135.2).

ClinVar aggregate classification (germline): Uncertain significance. Review status: criteria provided, multiple submitters, no conflicts (2 of 4 stars). 2 submissions from 2 submitters: Uncertain significance (2). Last evaluated 2025-04-06.

Conditions:
Inborn genetic diseases. Identifiers: MedGen C0950123, MeSH D030342.
Mosaic variegated aneuploidy syndrome 2 (MVA2). Identifiers: Orphanet 1052, MedGen C3279843, MONDO:0013582, OMIM 614114.

gnomAD v4.1: 2 of 1,612,966 alleles (0.00012%); highest among the groups gnomAD compares: Admixed American, 0.0033%; no homozygotes.

Submissions (2):

Ambry Genetics
Classification: Uncertain significance for Inborn genetic diseases. Last evaluated: 2025-04-06. Review status: criteria provided, single submitter. Criteria: Ambry Variant Classification Scheme 2023. Collection method: clinical testing. Allele origin: germline.
Comment: The p.S451N variant (also known as c.1352G>A), located in coding exon 11 of the CEP57 gene, results from a G to A substitution at nucleotide position 1352. The serine at codon 451 is replaced by asparagine, an amino acid with highly similar properties. This amino acid position is conserved. In addition, this alteration is predicted to be tolerated by in silico analysis. Based on the available evidence, the clinical significance of this variant remains unclear.

Fulgent Genetics
Classification: Uncertain significance for Mosaic variegated aneuploidy syndrome 2. Last evaluated: 2024-02-23. Review status: criteria provided, single submitter. Criteria: ACMG Guidelines, 2015. Collection method: clinical testing. Allele origin: germline.